The following is an entry in ClinVar:

ClinVar aggregate classification (germline): Benign (1 of 4 stars; one submission).

Allele frequency attached by ClinVar (database versions not stated): gnomAD 0.50506 and 0.51086; TOPMed 0.52025; 1000 Genomes Project 30x 0.53232; 1000 Genomes Project 0.53235.
gnomAD v4.1: 76,755 of 152,008 alleles (50%); highest among the groups gnomAD compares: African/African-American, 65%; 20,134 homozygotes.

Submission:

GeneDx
Classification: Benign. Last evaluated: 2018-06-14. Review status: criteria provided, single submitter. Criteria: GeneDx Variant Classification (06012015). Collection method: clinical testing. Allele origin: germline. Affected: yes.
Comment: This variant is considered likely benign or benign based on one or more of the following criteria: it is a conservative change, it occurs at a poorly conserved position in the protein, it is predicted to be benign by multiple in silico algorithms, and/or has population frequency not consistent with disease.

NM_004589.4(SCO1):c.655+165G>A

Gene: SCO1 (synthesis of cytochrome C oxidase 1; minus strand). Cytogenetic location: 17p13.1.
Variant type: single nucleotide variant.
Coding change: c.655+165G>A on transcript NM_004589.4 (MANE Select); 165 bases into the intron after coding-DNA position 655, G replaced by A.
Molecular consequence: intron variant.
Genome position (GRCh38, 1-based): chr17:10,691,707, C>T on the plus strand (G>A on the coding strand, the complement: SCO1 is on the minus strand). VCF-style: chr17-10691707-C-T. GRCh37 (hg19) VCF-style: chr17-10595024-C-T.
Identifiers: ClinVar variation 683702 (VCV000683702.1), dbSNP rs2254730, ClinGen allele CA15898321.